The following is an entry in ClinVar:

NM_005515.4(MNX1):c.388G>A (p.Ala130Thr)

Gene: MNX1 (motor neuron and pancreas homeobox 1; minus strand). Cytogenetic location: 7q36.3.
Variant type: single nucleotide variant.
Coding change: c.388G>A on transcript NM_005515.4 (MANE Select); coding-DNA position 388, G replaced by A.
Protein change: p.Ala130Thr; replaces alanine 130 with threonine.
Molecular consequence: missense variant.
Genome position (GRCh38, 1-based): chr7:157,009,963, C>T on the plus strand (G>A on the coding strand, the complement: MNX1 is on the minus strand). VCF-style: chr7-157009963-C-T. GRCh37 (hg19) VCF-style: chr7-156802657-C-T.
Other names: c.388G>A (NM_005515.3); short protein forms A130T.
Identifiers: ClinVar variation 1346111 (VCV001346111.7), dbSNP rs1460977572, ClinGen allele CA370164657.

ClinVar aggregate classification (germline): Uncertain significance. Review status: criteria provided, multiple submitters, no conflicts (2 of 4 stars). 2 submissions from 2 submitters: Uncertain significance (2). Last evaluated 2025-06-22.

Conditions:
Inborn genetic diseases. Identifiers: MedGen C0950123, MeSH D030342.

Allele frequency attached by ClinVar (database versions not stated): gnomAD 0.00001 and 0.00002; TOPMed 0.00001; gnomAD exomes 0.00003.
gnomAD v4.1: 27 of 980,486 alleles (0.0028%); highest among the groups gnomAD compares: Non-Finnish European, 0.0033%; no homozygotes.

Submissions (2):

Ambry Genetics
Classification: Uncertain significance for Inborn genetic diseases. Last evaluated: 2025-06-22. Review status: criteria provided, single submitter. Criteria: Ambry Variant Classification Scheme 2023. Collection method: clinical testing. Allele origin: germline.

Labcorp Genetics (formerly Invitae), Labcorp
Classification: Uncertain significance. Last evaluated: 2024-09-26. Review status: criteria provided, single submitter. Criteria: Invitae Variant Classification Sherloc (09022015). Collection method: clinical testing. Allele origin: germline.
Comment: This sequence change replaces alanine, which is neutral and non-polar, with threonine, which is neutral and polar, at codon 130 of the MNX1 protein (p.Ala130Thr). The frequency data for this variant in the population databases is considered unreliable, as metrics indicate insufficient coverage at this position in the gnomAD database. This variant has not been reported in the literature in individuals affected with MNX1-related conditions. ClinVar contains an entry for this variant (Variation ID: 1346111). Invitae Evidence Modeling of protein sequence and biophysical properties (such as structural, functional, and spatial information, amino acid conservation, physicochemical variation, residue mobility, and thermodynamic stability) indicates that this missense variant is not expected to disrupt MNX1 protein function with a negative predictive value of 80%. In summary, the available evidence is currently insufficient to determine the role of this variant in disease. Therefore, it has been classified as a Variant of Uncertain Significance.